The following is an entry in ClinVar:

ClinVar aggregate classification (germline): Likely benign (1 of 4 stars; one submission).

gnomAD v4.1: 25 of 1,612,710 alleles (0.0016%); highest among the groups gnomAD compares: Non-Finnish European, 0.0021%; no homozygotes.

Submission:

CeGaT Center for Human Genetics Tuebingen
Classification: Likely benign. Last evaluated: 2025-06-01. Review status: criteria provided, single submitter. Criteria: CeGaT Center For Human Genetics Tuebingen Variant Classification Criteria Version 2. Collection method: clinical testing. Allele origin: germline. Affected: yes. Observed: 1 variant allele.
Comment: KCNT2: BP4

NM_198503.5(KCNT2):c.1707G>C (p.Gln569His)

Gene: KCNT2 (potassium sodium-activated channel subfamily T member 2; minus strand). Cytogenetic location: 1q31.3.
Variant type: single nucleotide variant.
Coding change: c.1707G>C on transcript NM_198503.5 (MANE Select); coding-DNA position 1707, G replaced by C.
Protein change: p.Gln569His; replaces glutamine 569 with histidine.
Molecular consequence: missense variant. On other transcripts: non-coding transcript variant (2).
Genome position (GRCh38, 1-based): chr1:196,340,417, C>G on the plus strand (G>C on the coding strand, the complement: KCNT2 is on the minus strand). VCF-style: chr1-196340417-C-G. GRCh37 (hg19) VCF-style: chr1-196309547-C-G.
Other names: c.1707G>C, p.Gln569His (NM_001287819.3); c.1557G>C, p.Gln519His (NM_001287820.3); short protein forms Q519H, Q569H.
Identifiers: ClinVar variation 4084445 (VCV004084445.8).